The following is an entry in ClinVar:

NM_002480.3(PPP1R12A):c.1385_1397dup (p.Val467fs)

Gene: PPP1R12A (protein phosphatase 1 regulatory subunit 12A; minus strand). Cytogenetic location: 12q21.2.
Variant type: Duplication.
Coding change: c.1385_1397dup on transcript NM_002480.3 (MANE Select); coding-DNA positions 1385 to 1397, 13 bases duplicated (AAGATACTGCAGG).
Protein change: p.Val467fs; shifts the reading frame from valine 467.
Molecular consequence: frameshift variant.
Genome position (GRCh38, 1-based): chr12:79,809,853-79,809,865, CCTGCAGTATCTT duplicated on the plus strand (AAGATACTGCAGG on the coding strand, the reverse complement: PPP1R12A is on the minus strand). VCF-style (leftmost placement, unchanged base first): chr12-79809852-A-ACCTGCAGTATCTT. GRCh37 (hg19) VCF-style: chr12-80203632-A-ACCTGCAGTATCTT.
Other names: c.1385_1397dup, p.Val467fs (NM_001143885.2, NM_001244990.2, NM_001244992.1); c.1124_1136dup, p.Val380fs (NM_001143886.2); short protein forms V380fs, V467fs.
Identifiers: ClinVar variation 4846909 (VCV004846909.1).
Genomic context (GRCh38, chr12:79,809,852, plus strand): 5'-TACCTTTTCTTTATTATCCAAAGAGGAGGAAAGTCTGGGACTTGAAGCTGAACGTGTAAC[A>ACCTGCAGTATCTT]CCTGCAGTATCTTTTTCTTTCTGACCCTCTTTAGATGCTGTGATTTCAGCAAGTGCACCA-3'

ClinVar aggregate classification (germline): Likely pathogenic (1 of 4 stars; one submission).

Conditions:
Genitourinary and/or brain malformation syndrome (GUBS). Also called: PPP1R12A-Related Urogenital and/or Brain Malformation Syndrome. Identifiers: MedGen C5394158, MONDO:0032934, OMIM 618820.

Submission:

Laboratorio de Genetica e Diagnostico Molecular, Hospital Israelita Albert Einstein
Classification: Likely pathogenic for Genitourinary and/or brain malformation syndrome. Last evaluated: 2025-10-27. Review status: criteria provided, single submitter. Criteria: ACMG Guidelines, 2015. Collection method: clinical testing. Allele origin: germline. Affected: yes.
Comment: ACMG classification criteria: PVS1 very strong, PM2 supporting